The following is an entry in ClinVar:

GRCh38/hg38 3q29(chr3:195997494-197662231)x3

Genes: BDH1 (3-hydroxybutyrate dehydrogenase 1), CEP19 (centrosomal protein 19; minus strand), DLG1 (discs large MAGUK scaffold protein 1; minus strand), DLG1-AS1 (DLG1 antisense RNA 1; plus strand), DYNLT2B (dynein light chain Tctex-type 2B; minus strand) and 108 more. Cytogenetic location: 3q29.
Variant type: copy number gain.
Change: copy number 3 (three copies instead of two) of chr3:195,997,494-197,662,231 (1.66 Mb, GRCh38 coordinates, 1-based), cytogenetic band 3q29.
Identifiers: ClinVar variation 59984 (VCV000059984.3).

ClinVar aggregate classification (germline): Pathogenic (0 of 4 stars; one submission).

Submission:

ISCA Site 6
Classification: Pathogenic. Last evaluated: 2011-08-11. Review status: no assertion criteria provided. Collection method: clinical testing. Allele origin: unknown. Affected: yes. Observed: 1 variant allele.
Comment: Copy number variation identified through the course of routine clinical cytogenomic testing in postnatal populations. Clinical assertions have been curated as described in Kaminsky et al. 2011.

Copy number variation identified through the course of routine clinical cytogenomic testing in postnatal populations. Clinical assertions have been curated as described in Kaminsky, et al. 2011 (PubMed 21844811). For additional ClinGen data, please see nstd37.